The following is an entry in ClinVar:

NM_004586.3(RPS6KA3):c.70-8T>C

Gene: RPS6KA3 (ribosomal protein S6 kinase A3; minus strand). Cytogenetic location: Xp22.12.
Variant type: single nucleotide variant.
Coding change: c.70-8T>C on transcript NM_004586.3 (MANE Select); 8 bases into the intron before coding-DNA position 70, T replaced by C.
Molecular consequence: intron variant.
Genome position (GRCh38, 1-based): chrX:20,234,822, A>G on the plus strand (T>C on the coding strand, the complement: RPS6KA3 is on the minus strand). VCF-style: chrX-20234822-A-G. GRCh37 (hg19) VCF-style: chrX-20252940-A-G.
Other names: c.-15-8T>C (NM_001438340.1).
Identifiers: ClinVar variation 4977234 (VCV004977234.1).

ClinVar aggregate classification (germline): Likely benign (1 of 4 stars; one submission).

Conditions:
RPS6KA3-related disorder. Also called: RPS6KA3-related condition.

gnomAD v4.1: 17 of 1,184,451 alleles (0.0014%); highest among the groups gnomAD compares: African/African-American, 0.0036%; no homozygotes.

Submission:

PreventionGenetics, part of Exact Sciences
Classification: Likely benign for RPS6KA3-related condition. Last evaluated: 2026-04-09. Review status: criteria provided, single submitter. Criteria: ACMG Guidelines, 2015. Collection method: clinical testing. Allele origin: germline.
Comment: This variant is classified as likely benign based on ACMG/AMP sequence variant interpretation guidelines (Richards et al. 2015 PMID: 25741868, with internal and published modifications).